The following is an entry in ClinVar:

NM_015272.5(RPGRIP1L):c.1351-11A>G

Gene: RPGRIP1L (RPGRIP1 like; minus strand). Cytogenetic location: 16q12.2.
Variant type: single nucleotide variant.
Coding change: c.1351-11A>G on transcript NM_015272.5 (MANE Select); 11 bases into the intron before coding-DNA position 1351, A replaced by G.
Molecular consequence: intron variant.
Genome position (GRCh38, 1-based): chr16:53,658,475, T>C on the plus strand (A>G on the coding strand, the complement: RPGRIP1L is on the minus strand). VCF-style: chr16-53658475-T-C. GRCh37 (hg19) VCF-style: chr16-53692387-T-C.
Other names: c.1351-11A>G (NM_015272.2, NM_001127897.4, NM_001330538.2 and 2 more transcripts).
Identifiers: ClinVar variation 1185043 (VCV001185043.10), dbSNP rs750076702, ClinGen allele CA8057823.
Genomic context (GRCh38, chr16:53,658,475, plus strand): 5'-TTTATAAGTAGGAGAGCTTCACTCAATTCATCAGCATTAATATCATTCTCCTGCAATAGA[T>C]TAAGTAAAAGCTCACAATGAGTTATGAATGGAAAATACAAGAGACATTCCAAGTATTCAA-3'

ClinVar aggregate classification (germline): Conflicting classifications of pathogenicity. Review status: criteria provided, conflicting classifications (1 of 4 stars). 6 submissions from 6 submitters: Pathogenic (1); Likely pathogenic (2); Uncertain significance (1). 2 of the submissions do not count toward it. Last evaluated 2025-07-10.

Conditions:
Inborn genetic diseases. Identifiers: MedGen C0950123, MeSH D030342.
COACH syndrome 3. Identifiers: MedGen C5436841, MONDO:0030862, OMIM 619113.
Joubert syndrome 7 (JBTS7). Identifiers: Orphanet 220497, MedGen C1969053, MONDO:0012694, OMIM 611560.
Meckel syndrome, type 5 (MKS5). Identifiers: Orphanet 564, MedGen C1969052, MONDO:0012695, OMIM 611561.
Meckel-Gruber syndrome. Also called: Dysencephalia splachnocystica; GRUBER SYNDROME; DYSENCEPHALIA SPLANCHNOCYSTICA. Identifiers: Orphanet 564, MedGen C0265215, MONDO:0018921.
Joubert syndrome. Also called: Familial aplasia of the vermis; JOUBERT-BOLTSHAUSER SYNDROME. Identifiers: Orphanet 475, MedGen C5979921, MONDO:0018772.

Allele frequency attached by ClinVar (database versions not stated): gnomAD 0.00001; gnomAD exomes 0.00001 and 0.00002; TOPMed 0.00001; ExAC 0.00003.
gnomAD v4.1: 8 of 1,597,522 alleles (0.0005%); highest among the groups gnomAD compares: East Asian, 0.011%; no homozygotes.

Submissions (6):

Ambry Genetics
Classification: Likely pathogenic for Inborn genetic diseases. Last evaluated: 2025-07-10. Review status: criteria provided, single submitter. Criteria: Ambry Variant Classification Scheme 2023. Collection method: clinical testing. Allele origin: germline.
Comment: The c.1351-11A>G intronic alteration results from an A to G substitution 11 nucleotides before coding exon 11 of the RPGRIP1L gene. Based on data from gnomAD, the G allele has an overall frequency of 0.002% (4/249694) total alleles studied. The highest observed frequency was 0.022% (4/18352) of East Asian alleles. This variant has been identified in conjunction with other RPGRIP1L variants in individuals with features consistent with RPGRIP1L-related Joubert syndrome; in at least one instance, the variants were identified in trans (Rao, 2019; Ying, 2022; Zhang, 2022). This nucleotide position is not well conserved in available vertebrate species. RNA studies have demonstrated that this alteration results in abnormal splicing (Zhang, 2022). In silico splice site analysis predicts that this alteration will weaken the native splice acceptor site and will result in the creation or strengthening of a novel splice acceptor site. Based on the available evidence, this alteration is classified as likely pathogenic.

Labcorp Genetics (formerly Invitae), Labcorp
Classification: Pathogenic for Joubert syndrome; Meckel-Gruber syndrome. Last evaluated: 2025-04-07. Review status: criteria provided, single submitter. Criteria: Invitae Variant Classification Sherloc (09022015). Collection method: clinical testing. Allele origin: germline.
Comment: This sequence change falls in intron 11 of the RPGRIP1L gene. It does not directly change the encoded amino acid sequence of the RPGRIP1L protein. This variant is present in population databases (rs750076702, gnomAD 0.02%). This variant has been observed in individual(s) with RPGRIP1L-related conditions (PMID: 31328266, 33323469, 35233738, 35858853). In at least one individual the data is consistent with being in trans (on the opposite chromosome) from a pathogenic variant. ClinVar contains an entry for this variant (Variation ID: 1185043). Algorithms developed to predict the effect of sequence changes on RNA splicing suggest that this variant may disrupt the consensus splice site. For these reasons, this variant has been classified as Pathogenic.

Blueprint Genetics
Classification: Uncertain significance. Last evaluated: 2024-02-09. Review status: criteria provided, single submitter. Criteria: ACMG Guidelines, 2015. Collection method: clinical testing. Allele origin: germline.

Fulgent Genetics
Classification: Likely pathogenic for Joubert syndrome 7; Meckel syndrome, type 5; COACH syndrome 3. Last evaluated: 2024-01-30. Review status: criteria provided, single submitter. Criteria: ACMG Guidelines, 2015. Collection method: clinical testing. Allele origin: germline.

Center for Molecular Medicine, Children’s Hospital of Fudan University
Classification: Likely pathogenic for Meckel syndrome, type 5. Last evaluated: 2021-07-30. Review status: no assertion criteria provided. Collection method: clinical testing. Allele origin: paternal. Affected: yes. Not counted in ClinVar's aggregate classification.
Comment: Loss of protein function of RPGRIP1L results in Meckel syndrome 5 (MKS5). cDNA studies of this variant demonstrated a reading frame shift with a subsequent premature stop codon (p.Glu451Serfs*6). This variant has never been reported or appeared in the 1000 Genome Project, the EXAC or the gnomAD database. Hence, c.1351-11A>G is classified aslikely pathogenic.

Neurology Department of Pediatrics, The Third Affiliated Hospital of Zhengzhou University
Classification: Uncertain significance for Joubert syndrome 7. Review status: no assertion criteria provided. Collection method: clinical testing. Allele origin: inherited. Inheritance: Autosomal dominant inheritance. Affected: yes. Not counted in ClinVar's aggregate classification.

Literature cited by the submitters: PubMed 31328266 (cited by Ambry Genetics and Labcorp Genetics (formerly Invitae), Labcorp); PubMed 35233738 (cited by Ambry Genetics and Labcorp Genetics (formerly Invitae), Labcorp); PubMed 35858853 (cited by Ambry Genetics and Labcorp Genetics (formerly Invitae), Labcorp); PubMed 33323469 (cited by Labcorp Genetics (formerly Invitae), Labcorp); PubMed 17558409 (cited by Center for Molecular Medicine, Children’s Hospital of Fudan University); PubMed 23351400 (cited by Center for Molecular Medicine, Children’s Hospital of Fudan University).